The following is an entry in ClinVar:

NM_000218.3(KCNQ1):c.1393+21881_1393+21891dup

Genes: KCNQ1 (potassium voltage-gated channel subfamily Q member 1; plus strand), KCNQ1OT1 (KCNQ1 opposite strand/antisense transcript 1; minus strand). Cytogenetic location: 11p15.5.
Variant type: Duplication.
Coding change: c.1393+21881_1393+21891dup on transcript NM_000218.3 (MANE Select); bases 21881 to 21891 of the intron after coding-DNA position 1393, 11 bases duplicated (TTTTTTTTTTT).
Molecular consequence: intron variant. On other transcripts: non-coding transcript variant (1).
Genome position (GRCh38, 1-based): chr11:2,610,735-2,610,745, TTTTTTTTTTT duplicated; duplicating any 11 consecutive bases within chr11:2,610,717-2,610,745 gives the same sequence; the c. name uses the placement nearest the transcript's 3' end. VCF-style (leftmost placement, unchanged base first): chr11-2610716-C-CTTTTTTTTTTT. GRCh37 (hg19) VCF-style: chr11-2631946-C-CTTTTTTTTTTT.
Other names: c.1123+21881_1123+21891dup (NM_001406837.1); c.1297+21881_1297+21891dup (NM_001406836.1); c.853+21881_853+21891dup (NM_001406838.1); c.1012+21881_1012+21891dup (NM_181798.2).
Identifiers: ClinVar variation 3905551 (VCV003905551.10).

ClinVar aggregate classification (germline): Likely benign (1 of 4 stars; one submission).

Submission:

CeGaT Center for Human Genetics Tuebingen
Classification: Likely benign. Last evaluated: 2026-06-01. Review status: criteria provided, single submitter. Criteria: CeGaT Center For Human Genetics Tuebingen Variant Classification Criteria Version 2. Collection method: clinical testing. Allele origin: germline. Affected: yes. Observed: 7 variant alleles.
Comment: KCNQ1OT1: BS2